The following is an entry in ClinVar:

NM_002693.3(POLG):c.2071-8T>A

Genes: POLG (DNA polymerase gamma, catalytic subunit; minus strand), POLGARF (POLG alternative reading frame; minus strand). Cytogenetic location: 15q26.1.
Variant type: single nucleotide variant.
Coding change: c.2071-8T>A on transcript NM_002693.3 (MANE Select); 8 bases into the intron before coding-DNA position 2071, T replaced by A.
Molecular consequence: intron variant.
Genome position (GRCh38, 1-based): chr15:89,323,909, A>T on the plus strand (T>A on the coding strand, the complement: POLG is on the minus strand). VCF-style: chr15-89323909-A-T. GRCh37 (hg19) VCF-style: chr15-89867140-A-T.
Other names: c.2071-8T>A (NM_001126131.2).
Identifiers: ClinVar variation 206610 (VCV000206610.2), dbSNP rs796052910, ClinGen allele CA316860.

ClinVar aggregate classification (germline): Uncertain significance (1 of 4 stars; one submission).

Submission:

GeneDx
Classification: Uncertain significance. Last evaluated: 2014-10-03. Review status: criteria provided, single submitter. Criteria: GeneDx Variant Classification (06012015). Collection method: clinical testing. Allele origin: germline. Affected: yes.
Comment: c.2071-8 T>A: IVS11-8 T>A in intron 11 of the POLG gene (NM_002693.2). The c.2071-8 T>A variant has not been published as a mutation, nor has it been reported as a benign polymorphism to our knowledge. The c.2071-8 T>A variant was not observed in approximately 6500 individuals of European and African American ancestry in the NHLBI Exome Sequencing Project, indicating it is not a common benign variant in these populations. In-silico splice prediction models predict that c.2071-8 T>A creates a new acceptor site for exon 12, which would be expected to lead to abnormal gene splicing. However, the true effect of c.2071-8 T>A on gene splicing in vivo in not known. Therefore, based on the currently available information, it is unclear whether this variant is a pathogenic mutation or a rare benign variant. The variant is found in MITONUC-MITOP panel(s).